The following is an entry in ClinVar:

NM_005733.3(KIF20A):c.341T>C (p.Ile114Thr)

Gene: KIF20A (kinesin family member 20A; plus strand). Cytogenetic location: 5q31.2.
Variant type: single nucleotide variant.
Coding change: c.341T>C on transcript NM_005733.3 (MANE Select); coding-DNA position 341, T replaced by C.
Protein change: p.Ile114Thr; replaces isoleucine 114 with threonine.
Molecular consequence: missense variant.
Genome position (GRCh38, 1-based): chr5:138,181,694, T>C. VCF-style: chr5-138181694-T-C. GRCh37 (hg19) VCF-style: chr5-137517383-T-C.
Other names: short protein forms I114T.
Identifiers: ClinVar variation 1517650 (VCV001517650.6), dbSNP rs752013121, ClinGen allele CA3426284.

ClinVar aggregate classification (germline): Uncertain significance (1 of 4 stars; one submission).

Allele frequency attached by ClinVar (database versions not stated): ExAC 0.00001; gnomAD 0.00001; gnomAD exomes 0.00001.
gnomAD v4.1: 4 of 1,614,012 alleles (0.00025%); highest among the groups gnomAD compares: East Asian, 0.0045%; no homozygotes.

Submission:

Labcorp Genetics (formerly Invitae), Labcorp
Classification: Uncertain significance. Last evaluated: 2021-11-23. Review status: criteria provided, single submitter. Criteria: Invitae Variant Classification Sherloc (09022015). Collection method: clinical testing. Allele origin: germline.
Comment: In summary, the available evidence is currently insufficient to determine the role of this variant in disease. Therefore, it has been classified as a Variant of Uncertain Significance. Algorithms developed to predict the effect of missense changes on protein structure and function (SIFT, PolyPhen-2, Align-GVGD) all suggest that this variant is likely to be disruptive. This variant has not been reported in the literature in individuals affected with KIF20A-related conditions. This variant is present in population databases (rs752013121, gnomAD 0.01%). This sequence change replaces isoleucine, which is neutral and non-polar, with threonine, which is neutral and polar, at codon 114 of the KIF20A protein (p.Ile114Thr).